The following is an entry in ClinVar:

NM_001303052.2(MYT1L):c.926G>A (p.Gly309Glu)

Gene: MYT1L (myelin transcription factor 1 like; minus strand). Cytogenetic location: 2p25.3.
Variant type: single nucleotide variant.
Coding change: c.926G>A on transcript NM_001303052.2 (MANE Select); coding-DNA position 926, G replaced by A.
Protein change: p.Gly309Glu; replaces glycine 309 with glutamic acid.
Molecular consequence: missense variant.
Genome position (GRCh38, 1-based): chr2:1,922,843, C>T on the plus strand (G>A on the coding strand, the complement: MYT1L is on the minus strand). VCF-style: chr2-1922843-C-T. GRCh37 (hg19) VCF-style: chr2-1926615-C-T.
Other names: c.926G>A, p.Gly309Glu (NM_001329844.2, NM_001329845.1, NM_001329846.3 and 6 more transcripts); c.926G>A (NM_001303052.1); short protein forms G309E.
Identifiers: ClinVar variation 2434009 (VCV002434009.5), dbSNP rs866388756, ClinGen allele CA41426551.

ClinVar aggregate classification (germline): Uncertain significance. Review status: criteria provided, single submitter (1 of 4 stars). 2 submissions from 2 submitters: Uncertain significance (1). 1 of the submissions does not count toward it. Last evaluated 2019-06-07.

Conditions:
Intellectual developmental disorder, autosomal dominant 39. Also called: Intellectual disability, autosomal dominant 39; Mental retardation, autosomal dominant 39. Identifiers: MedGen C4225296, MONDO:0014678, OMIM 616521.
MYT1L-related disorder. Also called: MYT1L-related condition.

Allele frequency attached by ClinVar (database versions not stated): gnomAD 0.00001; gnomAD exomes 0.00001; TOPMed 0.00001.
gnomAD v4.1: 17 of 1,613,902 alleles (0.0011%); highest among the groups gnomAD compares: Non-Finnish European, 0.0013%; no homozygotes.

Submissions (2):

Revvity Omics, Revvity
Classification: Uncertain significance for Intellectual developmental disorder, autosomal dominant 39. Last evaluated: 2019-06-07. Review status: criteria provided, single submitter. Criteria: ACMG Guidelines, 2015. Collection method: clinical testing. Allele origin: germline.

PreventionGenetics, part of Exact Sciences
Classification: Uncertain significance for MYT1L-related condition. Last evaluated: 2023-10-20. Review status: no assertion criteria provided. Collection method: clinical testing. Allele origin: germline. Not counted in ClinVar's aggregate classification.
Comment: The MYT1L c.926G>A variant is predicted to result in the amino acid substitution p.Gly309Glu. To our knowledge, this variant has not been reported in the literature. This variant is reported in 0.00088% of alleles in individuals of European (Non-Finnish) descent in gnomAD. At this time, the clinical significance of this variant is uncertain due to the absence of conclusive functional and genetic evidence.